The following is an entry in ClinVar:

NM_182925.5(FLT4):c.2235C>G (p.Arg745=)

Genes: FLT4 (fms related receptor tyrosine kinase 4; minus strand), LOC126807632 (CDK7 strongly-dependent group 2 enhancer GRCh37_chr5:180046831-180048030; plus strand). Cytogenetic location: 5q35.3.
Variant type: single nucleotide variant.
Coding change: c.2235C>G on transcript NM_182925.5 (MANE Select); coding-DNA position 2235, C replaced by G.
Protein change: p.Arg745=; no amino-acid change (arginine 745 retained).
Molecular consequence: synonymous variant.
Genome position (GRCh38, 1-based): chr5:180,620,940, G>C on the plus strand (C>G on the coding strand, the complement: FLT4 is on the minus strand). VCF-style: chr5-180620940-G-C. GRCh37 (hg19) VCF-style: chr5-180047940-G-C.
Other names: c.2235C>G, p.Arg745= (NM_001354989.2, NM_002020.5).
Identifiers: ClinVar variation 3054395 (VCV003054395.2), dbSNP rs199935385, ClinGen allele CA3606441.

ClinVar aggregate classification (germline): Likely benign (0 of 4 stars; one submission).

Conditions:
FLT4-related disorder. Also called: FLT4-related condition.

Allele frequency attached by ClinVar (database versions not stated): gnomAD 0.00007; gnomAD exomes 0.00010; 1000 Genomes Project 30x 0.00016; TOPMed 0.00017; 1000 Genomes Project 0.00020; ExAC 0.00037.
gnomAD v4.1: 149 of 1,610,552 alleles (0.0093%); highest among the groups gnomAD compares: Admixed American, 0.25%; no homozygotes.

Submission:

PreventionGenetics, part of Exact Sciences
Classification: Likely benign for FLT4-related condition. Last evaluated: 2020-12-14. Review status: no assertion criteria provided. Collection method: clinical testing. Allele origin: germline.
Comment: This variant is classified as likely benign based on ACMG/AMP sequence variant interpretation guidelines (Richards et al. 2015 PMID: 25741868, with internal and published modifications).